The following is an entry in ClinVar:

ClinVar aggregate classification (germline): Benign. Review status: reviewed by expert panel (3 of 4 stars). 23 submissions from 23 submitters: Benign (1). 22 of the submissions do not count toward it. Last evaluated 2013-09-05.

Conditions:
Hereditary nonpolyposis colorectal neoplasms. Identifiers: MedGen C0009405, MeSH D003123.
Breast and/or ovarian cancer. Identifiers: MedGen CN221562.
Hereditary cancer-predisposing syndrome. Also called: Hereditary Cancer Syndrome; Tumor predisposition; Neoplastic Syndromes, Hereditary; Hereditary neoplastic syndrome. Identifiers: Orphanet 140162, MedGen C0027672, MeSH D009386, MONDO:0015356.
Lynch syndrome. Identifiers: Orphanet 144, MedGen C4552100, MONDO:0005835. Disease mechanism: loss of function.
Lynch syndrome 4 (LYNCH4). Also called: Colorectal cancer, hereditary nonpolyposis, type 4; Hereditary non-polyposis colorectal cancer, type 4. Identifiers: Orphanet 144, MedGen C1838333, MONDO:0013699, OMIM 614337. Disease mechanism: loss of function.
Malignant tumor of breast. Also called: Malignant breast neoplasm; Cancer breast. Identifiers: MedGen C0006142, MONDO:0007254. Disease mechanism: loss of function.

Allele frequency attached by ClinVar (database versions not stated): gnomAD exomes 0.00217 and 0.00603; ExAC 0.00743; gnomAD 0.02164 and 0.02307; TOPMed 0.02487; ESP Exome Variant Server 0.02568; 1000 Genomes Project 0.03175; 1000 Genomes Project 30x 0.03326.
gnomAD v4.1: 6,656 of 1,613,848 alleles (0.41%); highest among the groups gnomAD compares: African/African-American, 7.5%; 207 homozygotes.

Submissions (23):

International Society for Gastrointestinal Hereditary Tumours (InSiGHT)
Classification: Benign for Lynch Syndrome. Last evaluated: 2013-09-05. Review status: reviewed by expert panel. Criteria: Guidelines v1.9. Collection method: research. Allele origin: germline.
Comment: MAF >1%

Classified with v1.9 guidelines
ClinVar note: Converted during submission from no known pathogenicity to Benign.

Labcorp Genetics (formerly Invitae), Labcorp
Classification: Benign for Hereditary nonpolyposis colorectal neoplasms. Last evaluated: 2026-02-04. Review status: criteria provided, single submitter. Criteria: Invitae Variant Classification Sherloc (09022015). Collection method: clinical testing. Allele origin: germline. Not counted in ClinVar's aggregate classification.

ARUP Laboratories, Molecular Genetics and Genomics, ARUP Laboratories
Classification: Benign. Last evaluated: 2025-07-03. Review status: criteria provided, single submitter. Criteria: ARUP Molecular Germline Variant Investigation Process 2024. Collection method: clinical testing. Allele origin: germline. Not counted in ClinVar's aggregate classification.

Center for Genomic Medicine, Rigshospitalet, Copenhagen University Hospital
Classification: Benign. Last evaluated: 2025-03-04. Review status: criteria provided, single submitter. Criteria: ACMG Guidelines, 2015. Collection method: clinical testing. Allele origin: germline. Not counted in ClinVar's aggregate classification.

CeGaT Center for Human Genetics Tuebingen
Classification: Benign. Last evaluated: 2025-03-01. Review status: criteria provided, single submitter. Criteria: CeGaT Center For Human Genetics Tuebingen Variant Classification Criteria Version 2. Collection method: clinical testing. Allele origin: germline. Affected: yes. Observed: 1 variant allele. Not counted in ClinVar's aggregate classification.
Comment: PMS2: BP4, BP7, BS1, BS2

KCCC/NGS Laboratory, Kuwait Cancer Control Center
Classification: Benign for Lynch syndrome 4. Last evaluated: 2023-07-07. Review status: criteria provided, single submitter. Criteria: ACMG Guidelines, 2015. Collection method: clinical testing. Allele origin: germline. Affected: yes. Not counted in ClinVar's aggregate classification.

Myriad Genetics, Inc.
Classification: Benign for Lynch syndrome 4. Last evaluated: 2023-04-05. Review status: criteria provided, single submitter. Criteria: Myriad Autosomal Dominant, Autosomal Recessive and X-Linked Classification Criteria (2023). Collection method: clinical testing. Allele origin: unknown. Not counted in ClinVar's aggregate classification.
Comment: This variant is considered benign. This variant is a silent/synonymous amino acid change and it is not expected to impact splicing.

CHEO Genetics Diagnostic Laboratory, Children's Hospital of Eastern Ontario
Classification: Benign for Breast and/or ovarian cancer. Last evaluated: 2021-05-26. Review status: criteria provided, single submitter. Criteria: ACMG Guidelines, 2015. Collection method: clinical testing. Allele origin: germline. Not counted in ClinVar's aggregate classification.

Eurofins Ntd Llc (ga)
Classification: Benign. Last evaluated: 2018-03-14. Review status: criteria provided, single submitter. Criteria: EGL ClinVar v180209 classification definitions. Collection method: clinical testing. Allele origin: germline. Observed: 10 variant alleles, 10 heterozygotes. Not counted in ClinVar's aggregate classification.

Illumina Laboratory Services, Illumina
Classification: Likely benign for Lynch syndrome 4. Last evaluated: 2018-02-02. Review status: criteria provided, single submitter. Criteria: ICSL Variant Classification Criteria 13 December 2019. Collection method: clinical testing. Allele origin: germline. Not counted in ClinVar's aggregate classification.
Comment: This variant was observed as part of a predisposition screen in an ostensibly healthy population. A literature search was performed for the gene, cDNA change, and amino acid change (where applicable). Publications were found based on this search. The evidence from the literature, in combination with allele frequency data from public databases where available, was sufficient to determine this variant is unlikely to cause disease. Therefore, this variant is classified as likely benign.

Color Diagnostics, LLC DBA Color Health
Classification: Benign for Hereditary cancer-predisposing syndrome. Last evaluated: 2015-04-22. Review status: criteria provided, single submitter. Criteria: ACMG Guidelines, 2015. Collection method: clinical testing. Allele origin: germline. Not counted in ClinVar's aggregate classification.

GeneDx
Classification: Benign. Last evaluated: 2015-03-03. Review status: criteria provided, single submitter. Criteria: GeneDx Variant Classification Process June 2021. Collection method: clinical testing. Allele origin: germline. Affected: yes. Not counted in ClinVar's aggregate classification.

Ambry Genetics
Classification: Benign for Hereditary cancer-predisposing syndrome. Last evaluated: 2014-11-18. Review status: criteria provided, single submitter. Criteria: Ambry Variant Classification Scheme 2023. Collection method: clinical testing. Allele origin: germline. Not counted in ClinVar's aggregate classification.

PreventionGenetics, part of Exact Sciences
Classification: Benign. Review status: criteria provided, single submitter. Criteria: ACMG Guidelines, 2015. Collection method: clinical testing. Allele origin: germline. Not counted in ClinVar's aggregate classification.

True Health Diagnostics
Classification: Likely benign for Hereditary cancer-predisposing syndrome. Last evaluated: 2018-02-20. Review status: no assertion criteria provided. Collection method: clinical testing. Allele origin: germline. Not counted in ClinVar's aggregate classification.

Counsyl
Classification: Benign for Lynch syndrome 4. Last evaluated: 2017-07-06. Review status: no assertion criteria provided. Collection method: clinical testing. Allele origin: unknown. Not counted in ClinVar's aggregate classification.

Genome Diagnostics Laboratory, Amsterdam University Medical Center
Classification: Benign for Lynch syndrome 4. Last evaluated: 2016-01-22. Review status: no assertion criteria provided. Criteria: ACGS Guidelines, 2013. Collection method: clinical testing. Allele origin: germline. Affected: yes. Study: VKGL Data-share Consensus. Not counted in ClinVar's aggregate classification.

Clinical Genetics Laboratory, Department of Pathology, Netherlands Cancer Institute
Classification: Benign. Review status: no assertion criteria provided. Collection method: clinical testing. Allele origin: germline. Affected: yes. Study: VKGL Data-share Consensus. Not counted in ClinVar's aggregate classification.

Clinical Genetics, Academic Medical Center
Classification: Benign. Review status: no assertion criteria provided. Collection method: clinical testing. Allele origin: germline. Affected: yes. Study: VKGL Data-share Consensus. Not counted in ClinVar's aggregate classification.

Department of Pathology and Laboratory Medicine, Sinai Health System
Classification: Benign for Malignant tumor of breast. Review status: no assertion criteria provided. Collection method: clinical testing. Allele origin: unknown. Affected: yes. Study: The Canadian Open Genetics Repository (COGR). Not counted in ClinVar's aggregate classification.
Comment: The PMS2 p.His496= variant was identified in the literature, although the frequency of this variant in an affected population was not provided. The variant was identified in dbSNP (rs1805320) as â€šÃ„Ãºwith benign alleleâ€šÃ„Ã¹ and ClinVar (classified as benign by Ambry Genetics, Color, Invitae, Counsyl and 6 other submitters; and as likely benign by True Health Diagnostics and Illumina). The variant was identified in control databases in 2168 of 282,774 chromosomes (70 homozygous) at a frequency of 0.008, increasing the likelihood this could be a low frequency benign variant (Genome Aggregation Database Feb 27, 2017). The variant was observed in the following populations: African in 1934 of 24,924 chromosomes (freq: 0.08), Latino in 163 of 35,440 chromosomes (freq: 0.005), Other in 22 of 7220 chromosomes (freq: 0.003), South Asian in 10 of 30,616 chromosomes (freq: 0.0003), European in 36 of 129,170 chromosomes (freq: 0.0003), Ashkenazi Jewish in 1 of 10,368 chromosomes (freq: 0.0001), East Asian in 1 of 19,946 chromosomes (freq: 0.00005), and Finnish in 1 of 25,090 chromosomes (freq: 0.00004). The variant was observed with a co-occurring, pathogenic PMS2 variant (p.SerGlyfs*3) in an individual with colorectal cancer (Nomura 2015), decreasing the likelihood that this variant has clinical significance. The p.His496= variant is not expected to have clinical significance because it does not result in a change of amino acid and is not located in a known consensus splice site. The variant occurs at a non-highly conserved nucleotide outside of the splicing consensus sequence and in silico or computational prediction software programs (SpliceSiteFinder, MaxEntScan, NNSPLICE, GeneSplicer) do not predict a difference in splicing. In summary, based on the above information, this variant meets our laboratory's criteria to be classified as benign.

Joint Genome Diagnostic Labs from Nijmegen and Maastricht, Radboudumc and MUMC+
Classification: Benign. Review status: no assertion criteria provided. Collection method: clinical testing. Allele origin: germline. Affected: yes. Study: VKGL Data-share Consensus. Not counted in ClinVar's aggregate classification.

Laboratory of Diagnostic Genome Analysis, Leiden University Medical Center (LUMC)
Classification: Benign. Review status: no assertion criteria provided. Collection method: clinical testing. Allele origin: germline. Affected: yes. Study: VKGL Data-share Consensus. Not counted in ClinVar's aggregate classification.

Mayo Clinic Laboratories, Mayo Clinic
Classification: Benign. Review status: no assertion criteria provided. Collection method: clinical testing. Allele origin: unknown. Not counted in ClinVar's aggregate classification.

Literature cited by the submitters: PubMed 20186689 (cited by Illumina Laboratory Services, Illumina).

NM_000535.7(PMS2):c.1488C>T (p.His496=)

Gene: PMS2 (PMS1 homolog 2, mismatch repair system component; minus strand). Cytogenetic location: 7p22.1.
Variant type: single nucleotide variant.
Coding change: c.1488C>T on transcript NM_000535.7 (MANE Select); coding-DNA position 1488, C replaced by T.
Protein change: p.His496=; no amino-acid change (histidine 496 retained).
Molecular consequence: synonymous variant. On other transcripts: non-coding transcript variant (1).
Genome position (GRCh38, 1-based): chr7:5,987,277, G>A on the plus strand (C>T on the coding strand, the complement: PMS2 is on the minus strand). VCF-style: chr7-5987277-G-A. GRCh37 (hg19) VCF-style: chr7-6026908-G-A.
Other names: c.1083C>T, p.His361= (NM_001322003.2, NM_001322004.2, NM_001322005.2 and 1 more transcripts); c.1332C>T, p.His444= (NM_001322006.2); c.1170C>T, p.His390= (NM_001322007.2, NM_001322008.2); c.927C>T, p.His309= (NM_001322010.2); c.555C>T, p.His185= (NM_001322011.2, NM_001322012.2); c.915C>T, p.His305= (NM_001322013.2); c.1488C>T, p.His496= (NM_001322014.2); c.1179C>T, p.His393= (NM_001322015.2).
Identifiers: ClinVar variation 91304 (VCV000091304.62), dbSNP rs1805320, ClinGen allele CA009759.